The following is an entry in ClinVar:

ClinVar aggregate classification (germline): Uncertain significance (1 of 4 stars; one submission).

Conditions:
Familial cold autoinflammatory syndrome 2 (FCAS2). Identifiers: Orphanet 247868, MedGen C2673198, MONDO:0012724, OMIM 611762.

Allele frequency attached by ClinVar (database versions not stated): ExAC 0.00002.
gnomAD v4.1: 5 of 1,613,848 alleles (0.00031%); highest among the groups gnomAD compares: Admixed American, 0.0083%; no homozygotes.

Submission:

Labcorp Genetics (formerly Invitae), Labcorp
Classification: Uncertain significance for Familial cold autoinflammatory syndrome 2. Last evaluated: 2023-02-23. Review status: criteria provided, single submitter. Criteria: Invitae Variant Classification Sherloc (09022015). Collection method: clinical testing. Allele origin: germline.
Comment: In summary, the available evidence is currently insufficient to determine the role of this variant in disease. Therefore, it has been classified as a Variant of Uncertain Significance. Variants that disrupt the consensus splice site are a relatively common cause of aberrant splicing (PMID: 17576681, 9536098). Algorithms developed to predict the effect of sequence changes on RNA splicing suggest that this variant is not likely to affect RNA splicing. This variant has not been reported in the literature in individuals affected with NLRP12-related conditions. This variant is present in population databases (rs765100013, gnomAD 0.006%). This sequence change falls in intron 9 of the NLRP12 gene. It does not directly change the encoded amino acid sequence of the NLRP12 protein. It affects a nucleotide within the consensus splice site.

Literature cited by the submitters: PubMed 17576681; PubMed 9536098.

NM_144687.4(NLRP12):c.3098+6G>T

Gene: NLRP12 (NLR family pyrin domain containing 12; minus strand). Cytogenetic location: 19q13.42.
Variant type: single nucleotide variant.
Coding change: c.3098+6G>T on transcript NM_144687.4 (MANE Select); 6 bases into the intron after coding-DNA position 3098, G replaced by T.
Molecular consequence: intron variant.
Genome position (GRCh38, 1-based): chr19:53,795,853, C>A on the plus strand (G>T on the coding strand, the complement: NLRP12 is on the minus strand). VCF-style: chr19-53795853-C-A. GRCh37 (hg19) VCF-style: chr19-54299107-C-A.
Other names: c.2927+6G>T (NM_001277129.1); c.3101+6G>T (NM_001277126.2).
Identifiers: ClinVar variation 2979531 (VCV002979531.3), dbSNP rs765100013, ClinGen allele CA9638776.